The following is an entry in ClinVar:

ClinVar aggregate classification (germline): Uncertain significance (1 of 4 stars; one submission).

Conditions:
Familial pulmonary capillary hemangiomatosis (PVOD2). Also called: Pulmonary venoocclusive disease 2, autosomal recessive; Pulmonary venoocclusive disease 2. Identifiers: Orphanet 199241, MedGen C0340848, MONDO:0009329, OMIM 234810.

Allele frequency attached by ClinVar (database versions not stated): TOPMed below 0.00001; gnomAD 0.00009; ExAC 0.00016.
gnomAD v4.1: 105 of 1,595,810 alleles (0.0066%); highest among the groups gnomAD compares: Non-Finnish European, 0.0021%; no homozygotes.

Submission:

ARUP Laboratories, Molecular Genetics and Genomics, ARUP Laboratories
Classification: Uncertain significance for Familial pulmonary capillary hemangiomatosis. Last evaluated: 2022-03-08. Review status: criteria provided, single submitter. Criteria: ARUP Molecular Germline Variant Investigation Process 2021. Collection method: clinical testing. Allele origin: germline.
Comment: The EIF2AK4 c.744-12T>A variant (rs749274898), to our knowledge, is not reported in the medical literature or gene specific databases. This variant is found in the Finnish European population with an allele frequency of 0.11% (28/24930 alleles) in the Genome Aggregation Database. This is an intronic variant in a moderately conserved nucleotide, but computational analyses (Alamut v.2.11) predict that this variant may impact splicing by weakening the nearby canonical acceptor splice site. However, without functional studies the effect on splicing is unknown. Due to limited information, the clinical significance of this variant is uncertain at this time.

NM_001013703.4(EIF2AK4):c.744-12T>A

Gene: EIF2AK4 (eukaryotic translation initiation factor 2 alpha kinase 4; plus strand). Cytogenetic location: 15q15.1.
Variant type: single nucleotide variant.
Coding change: c.744-12T>A on transcript NM_001013703.4 (MANE Select); 12 bases into the intron before coding-DNA position 744, T replaced by A.
Molecular consequence: intron variant.
Genome position (GRCh38, 1-based): chr15:39,961,772, T>A. VCF-style: chr15-39961772-T-A. GRCh37 (hg19) VCF-style: chr15-40253973-T-A.
Identifiers: ClinVar variation 2428577 (VCV002428577.3), dbSNP rs749274898, ClinGen allele CA7473618.